The following is an entry in ClinVar:

ClinVar aggregate classification (germline): Uncertain significance. Review status: criteria provided, multiple submitters, no conflicts (2 of 4 stars). 3 submissions from 3 submitters: Uncertain significance (3). Last evaluated 2025-06-30.

Conditions:
Hereditary cancer-predisposing syndrome. Also called: Hereditary Cancer Syndrome; Tumor predisposition; Hereditary neoplastic syndrome; Neoplastic Syndromes, Hereditary. Identifiers: Orphanet 140162, MedGen C0027672, MeSH D009386, MONDO:0015356.
Familial cancer of breast. Also called: hereditary breast carcinoma; Hereditary breast cancer; BREAST CANCER, FAMILIAL. Identifiers: Orphanet 227535, MedGen C0346153, MONDO:0016419, OMIM 114480. Disease mechanism: loss of function.

Submissions (3):

Ambry Genetics
Classification: Uncertain significance for Hereditary cancer-predisposing syndrome. Last evaluated: 2025-06-30. Review status: criteria provided, single submitter. Criteria: Ambry Variant Classification Scheme 2023. Collection method: clinical testing. Allele origin: germline.
Comment: The p.S61I variant (also known as c.182G>T), located in coding exon 1 of the CHEK2 gene, results from a G to T substitution at nucleotide position 182. The serine at codon 61 is replaced by isoleucine, an amino acid with dissimilar properties. This amino acid position is highly conserved in available vertebrate species. In addition, this alteration is predicted to be deleterious by in silico analysis. Since supporting evidence is limited at this time, the clinical significance of this alteration remains unclear.

Baylor Genetics
Classification: Uncertain significance for Familial cancer of breast. Last evaluated: 2023-12-08. Review status: criteria provided, single submitter. Criteria: ACMG Guidelines, 2015. Collection method: clinical testing. Allele origin: unknown.

Labcorp Genetics (formerly Invitae), Labcorp
Classification: Uncertain significance for Familial cancer of breast. Last evaluated: 2018-07-03. Review status: criteria provided, single submitter. Criteria: Invitae Variant Classification Sherloc (09022015). Collection method: clinical testing. Allele origin: germline.
Comment: In summary, the available evidence is currently insufficient to determine the role of this variant in disease. Therefore, it has been classified as a Variant of Uncertain Significance. Algorithms developed to predict the effect of missense changes on protein structure and function are either unavailable or do not agree on the potential impact of this missense change (SIFT: "Deleterious"; PolyPhen-2: "Benign"; Align-GVGD: "Class C65"). This variant has not been reported in the literature in individuals with CHEK2-related disease. This variant is not present in population databases (ExAC no frequency). This sequence change replaces serine with isoleucine at codon 61 of the CHEK2 protein (p.Ser61Ile). The serine residue is highly conserved and there is a large physicochemical difference between serine and isoleucine.

NM_007194.4(CHEK2):c.182G>T (p.Ser61Ile)

Gene: CHEK2 (checkpoint kinase 2; minus strand). Cytogenetic location: 22q12.1.
Variant type: single nucleotide variant.
Coding change: c.182G>T on transcript NM_007194.4 (MANE Select); coding-DNA position 182, G replaced by T.
Protein change: p.Ser61Ile; replaces serine 61 with isoleucine.
Molecular consequence: missense variant.
Genome position (GRCh38, 1-based): chr22:28,734,540, C>A on the plus strand (G>T on the coding strand, the complement: CHEK2 is on the minus strand). VCF-style: chr22-28734540-C-A. GRCh37 (hg19) VCF-style: chr22-29130528-C-A.
Other names: c.182G>T, p.Ser61Ile (NM_001005735.3, NM_001349956.3, NM_145862.3); c.-596G>T (NM_001257387.3); short protein forms S61I.
Identifiers: ClinVar variation 645831 (VCV000645831.14), dbSNP rs1569170658, ClinGen allele CA411090869.